The following is an entry in ClinVar:

NM_006031.6(PCNT):c.7689G>C (p.Gln2563His)

Gene: PCNT (pericentrin; plus strand). Cytogenetic location: 21q22.3.
Variant type: single nucleotide variant.
Coding change: c.7689G>C on transcript NM_006031.6 (MANE Select); coding-DNA position 7689, G replaced by C.
Protein change: p.Gln2563His; replaces glutamine 2563 with histidine.
Molecular consequence: missense variant.
Genome position (GRCh38, 1-based): chr21:46,428,589, G>C. VCF-style: chr21-46428589-G-C. GRCh37 (hg19) VCF-style: chr21-47848503-G-C.
Other names: c.7335G>C, p.Gln2445His (NM_001315529.2); short protein forms Q2445H, Q2563H.
Identifiers: ClinVar variation 3029358 (VCV003029358.2), dbSNP rs199936673, ClinGen allele CA410570761.

ClinVar aggregate classification (germline): Uncertain significance (0 of 4 stars; one submission).

Conditions:
PCNT-related disorder. Also called: PCNT-related condition.

Submission:

PreventionGenetics, part of Exact Sciences
Classification: Uncertain significance for PCNT-related condition. Last evaluated: 2023-12-11. Review status: no assertion criteria provided. Collection method: clinical testing. Allele origin: germline.
Comment: The PCNT c.7689G>C variant is predicted to result in the amino acid substitution p.Gln2563His. To our knowledge, this variant has not been reported in the literature or in a large population database, indicating this variant is rare. At this time, the clinical significance of this variant is uncertain due to the absence of conclusive functional and genetic evidence.